The following is an entry in ClinVar:

NM_001378452.1(ITPR1):c.5785G>A (p.Ala1929Thr)

Gene: ITPR1 (inositol 1,4,5-trisphosphate receptor type 1; plus strand). Cytogenetic location: 3p26.1.
Variant type: single nucleotide variant.
Coding change: c.5785G>A on transcript NM_001378452.1 (MANE Select); coding-DNA position 5785, G replaced by A.
Protein change: p.Ala1929Thr; replaces alanine 1929 with threonine.
Molecular consequence: missense variant.
Genome position (GRCh38, 1-based): chr3:4,768,570, G>A. VCF-style: chr3-4768570-G-A. GRCh37 (hg19) VCF-style: chr3-4810254-G-A.
Other names: c.5641G>A, p.Ala1881Thr (NM_001099952.4); c.5740G>A, p.Ala1914Thr (NM_001168272.2); c.5596G>A, p.Ala1866Thr (NM_002222.7); short protein forms A1866T, A1881T, A1914T, A1929T.
Identifiers: ClinVar variation 1616882 (VCV001616882.12), dbSNP rs377199612, ClinGen allele CA2232423.

ClinVar aggregate classification (germline): Likely benign. Review status: criteria provided, multiple submitters, no conflicts (2 of 4 stars). 2 submissions from 2 submitters: Likely benign (2). Last evaluated 2026-03-01.

Allele frequency attached by ClinVar (database versions not stated): gnomAD 0.00001 and 0.00007; TOPMed 0.00003; gnomAD exomes 0.00010 and 0.00016; ExAC 0.00021; 1000 Genomes Project 0.00140; 1000 Genomes Project 30x 0.00156.
gnomAD v4.1: 164 of 1,613,942 alleles (0.01%); highest among the groups gnomAD compares: South Asian, 0.13%; 1 homozygote.

Submissions (2):

CeGaT Center for Human Genetics Tuebingen
Classification: Likely benign. Last evaluated: 2026-03-01. Review status: criteria provided, single submitter. Criteria: CeGaT Center For Human Genetics Tuebingen Variant Classification Criteria Version 2. Collection method: clinical testing. Allele origin: germline. Affected: yes. Observed: 1 variant allele.
Comment: ITPR1: BP4

Labcorp Genetics (formerly Invitae), Labcorp
Classification: Likely benign. Last evaluated: 2025-06-03. Review status: criteria provided, single submitter. Criteria: Invitae Variant Classification Sherloc (09022015). Collection method: clinical testing. Allele origin: germline.